The following is an entry in ClinVar:

NM_000146.4(FTL):c.-92T>C

Gene: FTL (ferritin light chain; plus strand). Cytogenetic location: 19q13.33.
Variant type: single nucleotide variant.
Coding change: c.-92T>C on transcript NM_000146.4 (MANE Select); 92 bases upstream of the start codon, T replaced by C.
Molecular consequence: 5 prime UTR variant.
Genome position (GRCh38, 1-based): chr19:48,965,416, T>C. VCF-style: chr19-48965416-T-C. GRCh37 (hg19) VCF-style: chr19-49468673-T-C.
Identifiers: ClinVar variation 329784 (VCV000329784.8), dbSNP rs886054563, ClinGen allele CA10652667.

ClinVar aggregate classification (germline): Uncertain significance. Review status: criteria provided, multiple submitters, no conflicts (2 of 4 stars). 3 submissions from 2 submitters: Uncertain significance (3). Last evaluated 2023-11-14.

Conditions:
Hereditary hyperferritinemia with congenital cataracts. Also called: Hereditary hyperferritinemia cataract syndrome; Bonneau-Beaumont syndrome; HYPERFERRITINEMIA WITH OR WITHOUT CATARACT. Identifiers: Orphanet 163, MedGen C1833213, MONDO:0010952, OMIM 600886.
Neuroferritinopathy (NBIA3). Also called: NEURODEGENERATION WITH BRAIN IRON ACCUMULATION 3; BASAL GANGLIA DISEASE, ADULT-ONSET. Identifiers: Orphanet 157846, MedGen C1853578, MONDO:0011638, OMIM 606159.

Allele frequency attached by ClinVar (database versions not stated): gnomAD 0.00001; gnomAD exomes 0.00001; TOPMed 0.00002.
gnomAD v4.1: 6 of 861,430 alleles (0.0007%); highest among the groups gnomAD compares: East Asian, 0.012%; no homozygotes.

Submissions (3):

Labcorp Genetics (formerly Invitae), Labcorp
Classification: Uncertain significance for Neuroferritinopathy; Hereditary hyperferritinemia with congenital cataracts. Last evaluated: 2023-11-14. Review status: criteria provided, single submitter. Criteria: Invitae Variant Classification Sherloc (09022015). Collection method: clinical testing. Allele origin: germline.
Comment: This variant occurs in a non-coding region of the FTL gene. It does not change the encoded amino acid sequence of the FTL protein. This variant is present in population databases (no rsID available, gnomAD 0.06%). This variant has not been reported in the literature in individuals affected with FTL-related conditions. ClinVar contains an entry for this variant (Variation ID: 329784). In summary, the available evidence is currently insufficient to determine the role of this variant in disease. Therefore, it has been classified as a Variant of Uncertain Significance.

Illumina Laboratory Services, Illumina
Classification: Uncertain significance for Neuroferritinopathy. Last evaluated: 2018-01-13. Review status: criteria provided, single submitter. Criteria: ICSL Variant Classification Criteria 13 December 2019. Collection method: clinical testing. Allele origin: germline.

Illumina Laboratory Services, Illumina
Classification: Uncertain significance for Hereditary hyperferritinemia with congenital cataracts. Last evaluated: 2018-01-13. Review status: criteria provided, single submitter. Criteria: ICSL Variant Classification Criteria 13 December 2019. Collection method: clinical testing. Allele origin: germline.